The following is an entry in ClinVar:

NM_000275.3(OCA2):c.1065G>A (p.Ala355=)

Gene: OCA2 (OCA2 melanosomal transmembrane protein; minus strand). Cytogenetic location: 15q13.1.
Variant type: single nucleotide variant.
Coding change: c.1065G>A on transcript NM_000275.3 (MANE Select); coding-DNA position 1065, G replaced by A.
Protein change: p.Ala355=; no amino-acid change (alanine 355 retained).
Molecular consequence: synonymous variant. On other transcripts: intron variant (1).
Genome position (GRCh38, 1-based): chr15:27,990,627, C>T on the plus strand (G>A on the coding strand, the complement: OCA2 is on the minus strand). VCF-style: chr15-27990627-C-T. GRCh37 (hg19) VCF-style: chr15-28235773-C-T.
Other names: c.1045-961G>A (NM_001300984.2).
Identifiers: ClinVar variation 255716 (VCV000255716.22), dbSNP rs1800404, ClinGen allele CA7439226.

ClinVar aggregate classification (germline): Benign/Likely benign. Review status: criteria provided, multiple submitters, no conflicts (2 of 4 stars). 8 submissions from 8 submitters: Benign (7); Likely benign (1). Last evaluated 2026-02-04.

Conditions:
Tyrosinase-positive oculocutaneous albinism (OCA2). Also called: ALBINISM II; Oculocutaneous albinism type 2; Albinism, oculocutaneous, type II. Identifiers: Orphanet 79432, MedGen C0268495, MONDO:0008746, OMIM 203200.

Allele frequency attached by ClinVar (database versions not stated): 1000 Genomes Project 30x 0.40990; 1000 Genomes Project 0.41074; TOPMed 0.55742; gnomAD 0.58385 and 0.59023; ESP Exome Variant Server 0.59888; ExAC 0.63672; gnomAD exomes 0.63863 and 0.73292.
gnomAD v4.1: 1,157,539 of 1,613,344 alleles (72%); highest among the groups gnomAD compares: Non-Finnish European, 79%; 438,294 homozygotes.

Submissions (8):

Labcorp Genetics (formerly Invitae), Labcorp
Classification: Benign. Last evaluated: 2026-02-04. Review status: criteria provided, single submitter. Criteria: Invitae Variant Classification Sherloc (09022015). Collection method: clinical testing. Allele origin: germline.

Women's Health and Genetics/Laboratory Corporation of America, LabCorp
Classification: Benign. Last evaluated: 2025-06-20. Review status: criteria provided, single submitter. Criteria: LabCorp Variant Classification Summary - May 2015. Collection method: clinical testing. Allele origin: germline.

Blueprint Genetics
Classification: Likely benign. Last evaluated: 2024-11-28. Review status: criteria provided, single submitter. Criteria: ACMG Guidelines, 2015. Collection method: clinical testing. Allele origin: germline.

Genome-Nilou Lab
Classification: Benign for Tyrosinase-positive oculocutaneous albinism. Last evaluated: 2021-09-05. Review status: criteria provided, single submitter. Criteria: ACMG Guidelines, 2015. Collection method: clinical testing. Allele origin: germline. Affected: no.

Illumina Laboratory Services, Illumina
Classification: Benign for Tyrosinase-positive oculocutaneous albinism. Last evaluated: 2018-01-13. Review status: criteria provided, single submitter. Criteria: ICSL Variant Classification Criteria 13 December 2019. Collection method: clinical testing. Allele origin: germline.
Comment: This variant was observed in the ICSL laboratory as part of a predisposition screen in an ostensibly healthy population. It had not been previously curated by ICSL or reported in the Human Gene Mutation Database (HGMD: prior to June 1st, 2018), and was therefore a candidate for classification through an automated scoring system. Utilizing variant allele frequency, disease prevalence and penetrance estimates, and inheritance mode, an automated score was calculated to assess if this variant is too frequent to cause the disease. Based on the score and internal cut-off values, a variant classified as benign is not then subjected to further curation. The score for this variant resulted in a classification of benign for this disease.

Eurofins Ntd Llc (ga)
Classification: Benign. Last evaluated: 2015-09-17. Review status: criteria provided, single submitter. Criteria: EGL Classification Definitions 2015. Collection method: clinical testing. Allele origin: germline.

Breakthrough Genomics
Classification: Benign. Review status: criteria provided, single submitter. Criteria: ACMG Guidelines, 2015. Collection method: not provided. Allele origin: germline. Inheritance: Autosomal recessive inheritance. Affected: yes.

PreventionGenetics, part of Exact Sciences
Classification: Benign. Review status: criteria provided, single submitter. Criteria: ACMG Guidelines, 2015. Collection method: clinical testing. Allele origin: germline.